The following is an entry in ClinVar:

NM_000059.4(BRCA2):c.8281T>C (p.Ser2761Pro)

Gene: BRCA2 (BRCA2 DNA repair associated; plus strand). Cytogenetic location: 13q13.1.
Variant type: single nucleotide variant.
Coding change: c.8281T>C on transcript NM_000059.4 (MANE Select); coding-DNA position 8281, T replaced by C.
Protein change: p.Ser2761Pro; replaces serine 2761 with proline.
Molecular consequence: missense variant. On other transcripts: non-coding transcript variant (1).
Genome position (GRCh38, 1-based): chr13:32,363,483, T>C. VCF-style: chr13-32363483-T-C. GRCh37 (hg19) VCF-style: chr13-32937620-T-C.
Other names: c.8185T>C, p.Ser2729Pro (NM_001406719.1); c.8281T>C, p.Ser2761Pro (NM_001406720.1, NM_001432077.1); c.3349T>C, p.Ser1117Pro (NM_001406721.1); c.1864T>C, p.Ser622Pro (NM_001406722.1); short protein forms S2729P, S1117P, S622P, S2761P.
Identifiers: ClinVar variation 3636536 (VCV003636536.3).

ClinVar aggregate classification (germline): Conflicting classifications of pathogenicity. Review status: criteria provided, conflicting classifications (1 of 4 stars). 2 submissions from 2 submitters: Uncertain significance (1); Likely benign (1). Last evaluated 2025-11-17.

Conditions:
Hereditary breast ovarian cancer syndrome. Also called: Hereditary breast and ovarian cancer syndrome; Hereditary breast and ovarian cancer syndrome (HBOC); BRCA1- and BRCA2-Associated Hereditary Breast and Ovarian Cancer; Hereditary breast and ovarian cancer; Breast and ovarian cancer; Hereditary breast and/or ovarian cancer syndrome. Identifiers: Orphanet 145, MedGen C0677776, MeSH D061325, MONDO:0003582. Disease mechanism: loss of function.
Hereditary cancer-predisposing syndrome. Also called: Neoplastic Syndromes, Hereditary; Tumor predisposition; Hereditary Cancer Syndrome; Hereditary neoplastic syndrome. Identifiers: Orphanet 140162, MedGen C0027672, MeSH D009386, MONDO:0015356.

gnomAD v4.1: 1 of 1,614,066 alleles (0.000062%); highest among the groups gnomAD compares: Admixed American, 0.0017%; no homozygotes.

Submissions (2):

Ambry Genetics
Classification: Likely benign for Hereditary cancer-predisposing syndrome. Last evaluated: 2025-11-17. Review status: criteria provided, single submitter. Criteria: Ambry Variant Classification Scheme 2023. Collection method: clinical testing. Allele origin: germline.

Labcorp Genetics (formerly Invitae), Labcorp
Classification: Uncertain significance for Hereditary breast ovarian cancer syndrome. Last evaluated: 2025-03-11. Review status: criteria provided, single submitter. Criteria: Invitae Variant Classification Sherloc (09022015). Collection method: clinical testing. Allele origin: germline.
Comment: This sequence change replaces serine, which is neutral and polar, with proline, which is neutral and non-polar, at codon 2761 of the BRCA2 protein (p.Ser2761Pro). This variant is not present in population databases (gnomAD no frequency). This variant has not been reported in the literature in individuals affected with BRCA2-related conditions. Invitae Evidence Modeling of protein sequence and biophysical properties (such as structural, functional, and spatial information, amino acid conservation, physicochemical variation, residue mobility, and thermodynamic stability) indicates that this missense variant is not expected to disrupt BRCA2 protein function with a negative predictive value of 95%. In summary, the available evidence is currently insufficient to determine the role of this variant in disease. Therefore, it has been classified as a Variant of Uncertain Significance.

Literature cited by the submitters: PubMed 39779848 (cited by Ambry Genetics).